The following is an entry in ClinVar:

NM_000264.5(PTCH1):c.332C>G (p.Ala111Gly)

Gene: PTCH1 (patched 1; minus strand). Cytogenetic location: 9q22.32.
Variant type: single nucleotide variant.
Coding change: c.332C>G on transcript NM_000264.5 (MANE Select); coding-DNA position 332, C replaced by G.
Protein change: p.Ala111Gly; replaces alanine 111 with glycine.
Molecular consequence: missense variant. On other transcripts: 5 prime UTR variant (4), non-coding transcript variant (1).
Genome position (GRCh38, 1-based): chr9:95,506,469, G>C on the plus strand (C>G on the coding strand, the complement: PTCH1 is on the minus strand). VCF-style: chr9-95506469-G-C. GRCh37 (hg19) VCF-style: chr9-98268751-G-C.
Other names: c.-122C>G (NM_001083606.3, NM_001083607.3, NM_001083604.3 and 1 more transcripts); c.332C>G, p.Ala111Gly (NM_001354918.2); c.134C>G, p.Ala45Gly (NM_001354919.2, NM_001083602.3); c.329C>G, p.Ala110Gly (NM_001083603.3); short protein forms A45G, A110G, A111G.
Identifiers: ClinVar variation 2817240 (VCV002817240.3), dbSNP rs2538382702, ClinGen allele CA374120260.

ClinVar aggregate classification (germline): Uncertain significance (1 of 4 stars; one submission).

Conditions:
Gorlin syndrome. Also called: Nevoid Basal Cell Carcinoma Syndrome; Basal cell nevus syndrome. Identifiers: Orphanet 377, MedGen C0004779, MONDO:0007187.

Submission:

Labcorp Genetics (formerly Invitae), Labcorp
Classification: Uncertain significance for Gorlin syndrome. Last evaluated: 2022-11-29. Review status: criteria provided, single submitter. Criteria: Invitae Variant Classification Sherloc (09022015). Collection method: clinical testing. Allele origin: germline.
Comment: Advanced modeling of protein sequence and biophysical properties (such as structural, functional, and spatial information, amino acid conservation, physicochemical variation, residue mobility, and thermodynamic stability) performed at Invitae indicates that this missense variant is not expected to disrupt PTCH1 protein function. In summary, the available evidence is currently insufficient to determine the role of this variant in disease. Therefore, it has been classified as a Variant of Uncertain Significance. This variant has not been reported in the literature in individuals affected with PTCH1-related conditions. This variant is not present in population databases (gnomAD no frequency). This sequence change replaces alanine, which is neutral and non-polar, with glycine, which is neutral and non-polar, at codon 111 of the PTCH1 protein (p.Ala111Gly).